The following is an entry in ClinVar:

ClinVar aggregate classification (germline): Benign. Review status: criteria provided, multiple submitters, no conflicts (2 of 4 stars). 3 submissions from 3 submitters: Benign (3). Last evaluated 2021-07-14.

Conditions:
Myopathy, centronuclear, 2 (CNM2). Also called: MYOTUBULAR MYOPATHY, AUTOSOMAL RECESSIVE. Identifiers: Orphanet 169186, MedGen CN031787, MONDO:0009709, OMIM 255200.

Allele frequency attached by ClinVar (database versions not stated): gnomAD 0.30494 and 0.31262; TOPMed 0.30901; gnomAD exomes 0.35868; ESP Exome Variant Server 0.28340; 1000 Genomes Project 0.34525; 1000 Genomes Project 30x 0.34244.
gnomAD v4.1: 548,149 of 1,547,182 alleles (35%); highest among the groups gnomAD compares: South Asian, 49%; 100,139 homozygotes.

Submissions (3):

Genome-Nilou Lab
Classification: Benign for Myopathy, centronuclear, 2. Last evaluated: 2021-07-14. Review status: criteria provided, single submitter. Criteria: ACMG Guidelines, 2015. Collection method: clinical testing. Allele origin: germline. Affected: no.

GeneDx
Classification: Benign. Last evaluated: 2018-06-18. Review status: criteria provided, single submitter. Criteria: GeneDx Variant Classification (06012015). Collection method: clinical testing. Allele origin: germline. Affected: yes.
Comment: This variant is considered likely benign or benign based on one or more of the following criteria: it is a conservative change, it occurs at a poorly conserved position in the protein, it is predicted to be benign by multiple in silico algorithms, and/or has population frequency not consistent with disease.

Breakthrough Genomics
Classification: Benign. Review status: criteria provided, single submitter. Criteria: ACMG Guidelines, 2015. Collection method: not provided. Allele origin: germline. Inheritance: Autosomal recessive inheritance. Affected: yes.

NM_139343.3(BIN1):c.774+62G>A

Gene: BIN1 (bridging integrator 1; minus strand). Cytogenetic location: 2q14.3.
Variant type: single nucleotide variant.
Coding change: c.774+62G>A on transcript NM_139343.3 (MANE Select); 62 bases into the intron after coding-DNA position 774, G replaced by A.
Molecular consequence: intron variant.
Genome position (GRCh38, 1-based): chr2:127,063,509, C>T on the plus strand (G>A on the coding strand, the complement: BIN1 is on the minus strand). VCF-style: chr2-127063509-C-T. GRCh37 (hg19) VCF-style: chr2-127821085-C-T.
Other names: c.693+62G>A (NM_001320642.1); c.609+62G>A (NM_001320634.1); c.681+62G>A (NM_139351.3, NM_139350.3, NM_139349.3 and 6 more transcripts); c.774+62G>A (NM_001320633.2, NM_139345.3, NM_139344.3 and 1 more transcripts).
Identifiers: ClinVar variation 678250 (VCV000678250.5), dbSNP rs2071268, ClinGen allele CA11082051.